The following is an entry in ClinVar:

ClinVar aggregate classification (germline): Uncertain significance (1 of 4 stars; one submission).

gnomAD v4.1: 2 of 1,613,578 alleles (0.00012%); highest among the groups gnomAD compares: Non-Finnish European, 0.00017%; no homozygotes.

Submission:

Labcorp Genetics (formerly Invitae), Labcorp
Classification: Uncertain significance. Last evaluated: 2024-12-02. Review status: criteria provided, single submitter. Criteria: Invitae Variant Classification Sherloc (09022015). Collection method: clinical testing. Allele origin: germline.
Comment: This sequence change replaces arginine, which is basic and polar, with glutamine, which is neutral and polar, at codon 1064 of the KMT2A protein (p.Arg1064Gln). This variant is not present in population databases (gnomAD no frequency). This variant has not been reported in the literature in individuals affected with KMT2A-related conditions. Invitae Evidence Modeling of protein sequence and biophysical properties (such as structural, functional, and spatial information, amino acid conservation, physicochemical variation, residue mobility, and thermodynamic stability) has been performed for this missense variant. However, the output from this modeling did not meet the statistical confidence thresholds required to predict the impact of this variant on KMT2A protein function. In summary, the available evidence is currently insufficient to determine the role of this variant in disease. Therefore, it has been classified as a Variant of Uncertain Significance.

NM_001197104.2(KMT2A):c.3191G>A (p.Arg1064Gln)

Gene: KMT2A (lysine methyltransferase 2A; plus strand). Cytogenetic location: 11q23.3.
Variant type: single nucleotide variant.
Coding change: c.3191G>A on transcript NM_001197104.2 (MANE Select); coding-DNA position 3191, G replaced by A.
Protein change: p.Arg1064Gln; replaces arginine 1064 with glutamine.
Molecular consequence: missense variant.
Genome position (GRCh38, 1-based): chr11:118,476,839, G>A. VCF-style: chr11-118476839-G-A. GRCh37 (hg19) VCF-style: chr11-118347554-G-A.
Other names: c.3290G>A, p.Arg1097Gln (NM_001412597.1); c.3191G>A, p.Arg1064Gln (NM_005933.4); short protein forms R1064Q, R1097Q.
Identifiers: ClinVar variation 3680977 (VCV003680977.2).